The following is an entry in ClinVar:

NM_001963.6(EGF):c.1367C>A (p.Pro456Gln)

Gene: EGF (epidermal growth factor; plus strand). Cytogenetic location: 4q25.
Variant type: single nucleotide variant.
Coding change: c.1367C>A on transcript NM_001963.6 (MANE Select); coding-DNA position 1367, C replaced by A.
Protein change: p.Pro456Gln; replaces proline 456 with glutamine.
Molecular consequence: missense variant.
Genome position (GRCh38, 1-based): chr4:109,963,227, C>A. VCF-style: chr4-109963227-C-A. GRCh37 (hg19) VCF-style: chr4-110884383-C-A.
Other names: c.1367C>A (NM_001963.4); c.1367C>A, p.Pro456Gln (NM_001178130.3); c.1241C>A, p.Pro414Gln (NM_001178131.3, NM_001357021.2); short protein forms P414Q, P456Q.
Identifiers: ClinVar variation 718048 (VCV000718048.10), dbSNP rs150311153, ClinGen allele CA3043663.
Genomic context (GRCh38, chr4:109,963,227, plus strand): 5'-TTGTAGGTTGTTCCTCACCCGATAATGGTGGATGTAGCCAGCTCTGCGTTCCTCTTAGCC[C>A]AGTATCCTGGGAATGTGATTGCTTTCCTGGGTATGACCTACAACTGGATGAAAAAAGCTG-3'
Protein context (NP_001954.2, residues 446-466): GCSQLCVPLS[Pro456Gln]VSWECDCFPG

ClinVar aggregate classification (germline): Conflicting classifications of pathogenicity. Review status: criteria provided, conflicting classifications (1 of 4 stars). 3 submissions from 3 submitters: Uncertain significance (1); Likely benign (1). 1 of the submissions does not count toward it. Last evaluated 2025-12-10.

Conditions:
EGF-related disorder. Also called: EGF-related condition.

Allele frequency attached by ClinVar (database versions not stated): gnomAD exomes 0.00030; ExAC 0.00035; TOPMed 0.00111; gnomAD 0.00121 and 0.00126; 1000 Genomes Project 0.00140; 1000 Genomes Project 30x 0.00141; ESP Exome Variant Server 0.00154.
gnomAD v4.1: 328 of 1,613,960 alleles (0.02%); highest among the groups gnomAD compares: African/African-American, 0.41%; no homozygotes.

Submissions (3):

Labcorp Genetics (formerly Invitae), Labcorp
Classification: Likely benign. Last evaluated: 2025-12-10. Review status: criteria provided, single submitter. Criteria: Invitae Variant Classification Sherloc (09022015). Collection method: clinical testing. Allele origin: germline.

Ambry Genetics
Classification: Uncertain significance. Last evaluated: 2025-08-04. Review status: criteria provided, single submitter. Criteria: Ambry Variant Classification Scheme 2023. Collection method: clinical testing. Allele origin: germline.

PreventionGenetics, part of Exact Sciences
Classification: Likely benign for EGF-related condition. Last evaluated: 2024-04-17. Review status: no assertion criteria provided. Collection method: clinical testing. Allele origin: germline. Not counted in ClinVar's aggregate classification.
Comment: This variant is classified as likely benign based on ACMG/AMP sequence variant interpretation guidelines (Richards et al. 2015 PMID: 25741868, with internal and published modifications).